The following is an entry in ClinVar:

ClinVar aggregate classification (germline): Uncertain significance (1 of 4 stars; one submission).

gnomAD v4.1: 2 of 1,496,786 alleles (0.00013%); highest among the groups gnomAD compares: Non-Finnish European, 0.00018%; no homozygotes.

Submission:

GeneDx
Classification: Uncertain significance. Last evaluated: 2024-06-26. Review status: criteria provided, single submitter. Criteria: GeneDx Variant Classification Process June 2021. Collection method: clinical testing. Allele origin: germline. Affected: yes.
Comment: Not observed at significant frequency in large population cohorts (gnomAD); In silico analysis supports that this missense variant has a deleterious effect on protein structure/function; Has not been previously published as pathogenic or benign to our knowledge

NM_001194.4(HCN2):c.493C>G (p.Arg165Gly)

Gene: HCN2 (hyperpolarization activated cyclic nucleotide gated potassium and sodium channel 2; plus strand). Cytogenetic location: 19p13.3.
Variant type: single nucleotide variant.
Coding change: c.493C>G on transcript NM_001194.4 (MANE Select); coding-DNA position 493, C replaced by G.
Protein change: p.Arg165Gly; replaces arginine 165 with glycine.
Molecular consequence: missense variant.
Genome position (GRCh38, 1-based): chr19:590,438, C>G. VCF-style: chr19-590438-C-G. GRCh37 (hg19) VCF-style: chr19-590438-C-G.
Other names: short protein forms R165G.
Identifiers: ClinVar variation 3392815 (VCV003392815.1).
Genomic context (GRCh38, chr19:590,438, plus strand): 5'-GGCAGCGAGGAGGCGGGCCCGGCGGGGGAGCCGCGCGGCAGCCAGGCCAGCTTCATGCAG[C>G]GCCAGTTCGGCGCGCTCCTGCAGCCGGGCGTCAACAAGTTCTCGCTGCGGATGTTCGGCA-3'
Protein context (NP_001185.3, residues 155-175): PRGSQASFMQ[Arg165Gly]QFGALLQPGV